The following is an entry in ClinVar:

NM_013266.4(CTNNA3):c.242C>T (p.Thr81Ile)

Gene: CTNNA3 (catenin alpha 3; minus strand). Cytogenetic location: 10q21.3.
Variant type: single nucleotide variant.
Coding change: c.242C>T on transcript NM_013266.4 (MANE Select); coding-DNA position 242, C replaced by T.
Protein change: p.Thr81Ile; replaces threonine 81 with isoleucine.
Molecular consequence: missense variant.
Genome position (GRCh38, 1-based): chr10:67,606,907, G>A on the plus strand (C>T on the coding strand, the complement: CTNNA3 is on the minus strand). VCF-style: chr10-67606907-G-A. GRCh37 (hg19) VCF-style: chr10-69366665-G-A.
Other names: c.242C>T, p.Thr81Ile (NM_001127384.3); c.278C>T, p.Thr93Ile (NM_001291133.2); short protein forms T81I, T93I.
Identifiers: ClinVar variation 180308 (VCV000180308.2), dbSNP rs730880070, ClinGen allele CA346266.

ClinVar aggregate classification (germline): Uncertain significance (1 of 4 stars; one submission).

Submission:

Ambry Genetics
Classification: Uncertain significance. Last evaluated: 2024-12-13. Review status: criteria provided, single submitter. Criteria: Ambry Variant Classification Scheme 2023. Collection method: clinical testing. Allele origin: germline.
Comment: The p.T81I variant (also known as c.242C>T), located in coding exon 2 of the CTNNA3 gene, results from a C to T substitution at nucleotide position 242. The threonine at codon 81 is replaced by isoleucine, an amino acid with similar properties. This amino acid position is conserved. In addition, this alteration is predicted to be tolerated by in silico analysis. Based on the available evidence, the clinical significance of this variant remains unclear.